The following is an entry in ClinVar:

NM_000784.4(CYP27A1):c.844+1G>T

Gene: CYP27A1 (cytochrome P450 family 27 subfamily A member 1; plus strand). Cytogenetic location: 2q35.
Variant type: single nucleotide variant.
Coding change: c.844+1G>T on transcript NM_000784.4 (MANE Select); the canonical splice donor site of the intron after coding-DNA position 844, G replaced by T.
Molecular consequence: splice donor variant.
Genome position (GRCh38, 1-based): chr2:218,812,750, G>T. VCF-style: chr2-218812750-G-T. GRCh37 (hg19) VCF-style: chr2-219677473-G-T.
Identifiers: ClinVar variation 2203263 (VCV002203263.6), dbSNP rs397515354, ClinGen allele CA350587820.

ClinVar aggregate classification (germline): Pathogenic. Review status: criteria provided, multiple submitters, no conflicts (2 of 4 stars). 3 submissions from 3 submitters: Pathogenic (3). Last evaluated 2025-06-17.

Conditions:
Cholestanol storage disease (CTX). Also called: CTX: Cerebrotendinous xanthomatosis; CEREBRAL CHOLESTERINOSIS; Cerebrotendinous Xanthomatosis. Identifiers: Orphanet 909, MedGen C0238052, MONDO:0008948, OMIM 213700.

Submissions (3):

Labcorp Genetics (formerly Invitae), Labcorp
Classification: Pathogenic for Cholestanol storage disease. Last evaluated: 2025-06-17. Review status: criteria provided, single submitter. Criteria: Invitae Variant Classification Sherloc (09022015). Collection method: clinical testing. Allele origin: germline.
Comment: This sequence change affects a donor splice site in intron 4 of the CYP27A1 gene. RNA analysis indicates that disruption of this splice site induces altered splicing and likely results in a shortened protein product. This variant is present in population databases (no rsID available, gnomAD 0.01%). Disruption of this splice site has been observed in individual(s) with cerebrotendinous xanthomatosis (PMID: 9254865, 21645175). It has also been observed to segregate with disease in related individuals. This variant is also known as c.865+1. ClinVar contains an entry for this variant (Variation ID: 2203263). Studies have shown that disruption of this splice site results in skipping of exon 4, but is expected to preserve the integrity of the reading-frame (PMID: 9254865). For these reasons, this variant has been classified as Pathogenic.

GeneDx
Classification: Pathogenic. Last evaluated: 2023-12-12. Review status: criteria provided, single submitter. Criteria: GeneDx Variant Classification Process June 2021. Collection method: clinical testing. Allele origin: germline. Affected: yes.
Comment: Reported with a pathogenic variant in a patient with ataxia, epilepsy, neuropathy, pyramidal signs, intellectual disability, psychiatric symptoms, and cognitive decline, but it is not known whether the variants occurred on the same (in cis) or on different (in trans) chromosomes (PMID: 21645175); Canonical splice site variant predicted to result in an in-frame loss of the adjacent exon in a gene for which loss of function is a known mechanism of disease; Not observed at significant frequency in large population cohorts (gnomAD); This variant is associated with the following publications: (PMID: 25525159, 33659184, 27678445, 9254865, 26643207, 22849591, 21645175)

Baylor Genetics
Classification: Pathogenic for Cholestanol storage disease. Last evaluated: 2023-08-31. Review status: criteria provided, single submitter. Criteria: ACMG Guidelines, 2015. Collection method: clinical testing. Allele origin: unknown.

Literature cited by the submitters: PubMed 9254865 (cited by Labcorp Genetics (formerly Invitae), Labcorp); PubMed 21645175 (cited by Labcorp Genetics (formerly Invitae), Labcorp).